The following is an entry in ClinVar:

ClinVar aggregate classification (germline): Uncertain significance. Review status: criteria provided, multiple submitters, no conflicts (2 of 4 stars). 2 submissions from 2 submitters: Uncertain significance (2). Last evaluated 2024-05-21.

Conditions:
Hereditary cancer-predisposing syndrome. Also called: Tumor predisposition; Hereditary neoplastic syndrome; Hereditary Cancer Syndrome; Neoplastic Syndromes, Hereditary. Identifiers: Orphanet 140162, MedGen C0027672, MeSH D009386, MONDO:0015356.

Allele frequency attached by ClinVar (database versions not stated): gnomAD exomes below 0.00001.

Submissions (2):

Labcorp Genetics (formerly Invitae), Labcorp
Classification: Uncertain significance. Last evaluated: 2024-05-21. Review status: criteria provided, single submitter. Criteria: Invitae Variant Classification Sherloc (09022015). Collection method: clinical testing. Allele origin: germline.
Comment: This sequence change replaces histidine, which is basic and polar, with tyrosine, which is neutral and polar, at codon 684 of the MSH3 protein (p.His684Tyr). This variant is not present in population databases (gnomAD no frequency). This variant has not been reported in the literature in individuals affected with MSH3-related conditions. ClinVar contains an entry for this variant (Variation ID: 1462180). Algorithms developed to predict the effect of missense changes on protein structure and function output the following: SIFT: "Not Available"; PolyPhen-2: "Benign"; Align-GVGD: "Not Available". The tyrosine amino acid residue is found in multiple mammalian species, which suggests that this missense change does not adversely affect protein function. In summary, the available evidence is currently insufficient to determine the role of this variant in disease. Therefore, it has been classified as a Variant of Uncertain Significance.

Ambry Genetics
Classification: Uncertain significance for Hereditary cancer-predisposing syndrome. Last evaluated: 2021-11-09. Review status: criteria provided, single submitter. Criteria: Ambry Variant Classification Scheme 2023. Collection method: clinical testing. Allele origin: germline.
Comment: The p.H684Y variant (also known as c.2050C>T), located in coding exon 14 of the MSH3 gene, results from a C to T substitution at nucleotide position 2050. The histidine at codon 684 is replaced by tyrosine, an amino acid with similar properties. This amino acid position is not well conserved in available vertebrate species. In addition, this alteration is predicted to be tolerated by in silico analysis. Since supporting evidence is limited at this time, the clinical significance of this alteration remains unclear.

NM_002439.5(MSH3):c.2050C>T (p.His684Tyr)

Gene: MSH3 (mutS homolog 3; plus strand). Cytogenetic location: 5q14.1.
Variant type: single nucleotide variant.
Coding change: c.2050C>T on transcript NM_002439.5 (MANE Select); coding-DNA position 2050, C replaced by T.
Protein change: p.His684Tyr; replaces histidine 684 with tyrosine.
Molecular consequence: missense variant.
Genome position (GRCh38, 1-based): chr5:80,768,086, C>T. VCF-style: chr5-80768086-C-T. GRCh37 (hg19) VCF-style: chr5-80063905-C-T.
Other names: short protein forms H684Y.
Identifiers: ClinVar variation 1462180 (VCV001462180.10), dbSNP rs1744154441, ClinGen allele CA360277883.